The following is an entry in ClinVar:

ClinVar aggregate classification (germline): Benign/Likely benign. Review status: criteria provided, multiple submitters, no conflicts (2 of 4 stars). 2 submissions from 2 submitters: Benign (1); Likely benign (1). Last evaluated 2025-02-16.

Conditions:
Leigh syndrome (NULS). Also called: Leigh's necrotizing encephalopathy; Leigh's disease; Leigh's syndrome; LEIGH SYNDROME, NUCLEAR; Leigh Syndrome (mtDNA deletion); Leigh Disease. Identifiers: Orphanet 506, MedGen C2931891, MONDO:0009723, OMIM 256000.

Submissions (2):

Laboratory of Genetics, Children's Clinical University Hospital Latvia
Classification: Likely benign. Last evaluated: 2025-02-16. Review status: criteria provided, single submitter. Criteria: ACMG Guidelines, 2015. Collection method: clinical testing. Allele origin: germline. Affected: yes.

Wong Mito Lab, Molecular and Human Genetics, Baylor College of Medicine
Classification: Benign for Leigh syndrome. Last evaluated: 2019-10-17. Review status: criteria provided, single submitter. Criteria: Modified ACMG Guidelines (Unpublished). Collection method: clinical testing. Allele origin: germline.
Comment: The NC_012920.1:m.14318T>C (YP_003024037.1:p.Asn119Ser) variant in MTND6 gene is interpretated to be a Benign variant based on the modified ACMG guidelines (unpublished). This variant meets the following evidence codes: BA1

NC_012920.1(MT-ND6):m.14318T>C

Gene: MT-ND6 (mitochondrially encoded NADH dehydrogenase 6; minus strand).
Variant type: single nucleotide variant.
Genome position: chrM-14318-T-C.
Identifiers: ClinVar variation 693709 (VCV000693709.2), dbSNP rs28357675, ClinGen allele CA337100003.